The following is an entry in ClinVar:

GRCh37/hg19 20p13-12.2(chr20:61569-9542361)x3

Genes: ADAM33 (ADAM metallopeptidase domain 33; minus strand), ADISSP (adipose secreted signaling protein; minus strand), ADRA1D (adrenoceptor alpha 1D; minus strand), ANGPT4 (angiopoietin 4; minus strand), AP5S1 (adaptor related protein complex 5 subunit sigma 1; plus strand) and 97 more. Cytogenetic location: 20p13-12.2.
Variant type: copy number gain.
Change: copy number 3 (three copies instead of two) of chr20:61,569-9,542,361 (9.48 Mb, GRCh37 coordinates, 1-based), cytogenetic band 20p13-12.2.
Identifiers: ClinVar variation 2684899 (VCV002684899.1).

ClinVar aggregate classification (germline): Pathogenic (1 of 4 stars; one submission).

Submission:

Quest Diagnostics Nichols Institute San Juan Capistrano
Classification: Pathogenic. Last evaluated: 2023-01-19. Review status: criteria provided, single submitter. Criteria: ACMG/ClinGen CNV Guidelines, 2019. Collection method: clinical testing. Allele origin: unknown.
Comment: The 20p terminal duplication overlaps the distal one-third of the entire short arm of chromosome 20. In addition, this large duplication may lead to clinical features that overlap with those of trisomy 20p syndrome (Ann Lab Med. 2020;40(3):277-280. PMID: 31858772; Oppenheimer, et al., Am J Med Genet. 2000 Dec 11;95(4):316-9. PMID: 11186883. Grammatico, et al., Clin Genet. 1992 Jun;41(6):285-9. PMID: 1623622). Thus, this copy number variant (CNV) is classified as pathogenic